The following is an entry in ClinVar:

ClinVar aggregate classification (germline): Uncertain significance (1 of 4 stars; one submission).

Submission:

GeneDx
Classification: Uncertain significance. Last evaluated: 2024-08-09. Review status: criteria provided, single submitter. Criteria: GeneDx Variant Classification Process June 2021. Collection method: clinical testing. Allele origin: germline. Affected: yes.
Comment: Not observed at significant frequency in large population cohorts (gnomAD); In silico analysis indicates that this missense variant does not alter protein structure/function; Has not been previously published as pathogenic or benign to our knowledge

NM_017563.5(IL17RD):c.1686G>T (p.Lys562Asn)

Genes: IL17RD (interleukin 17 receptor D; minus strand), LOC126806689 (BRD4-independent group 4 enhancer GRCh37_chr3:57131244-57132443; plus strand). Cytogenetic location: 3p14.3.
Variant type: single nucleotide variant.
Coding change: c.1686G>T on transcript NM_017563.5 (MANE Select); coding-DNA position 1686, G replaced by T.
Protein change: p.Lys562Asn; replaces lysine 562 with asparagine.
Molecular consequence: missense variant.
Genome position (GRCh38, 1-based): chr3:57,098,017, C>A on the plus strand (G>T on the coding strand, the complement: IL17RD is on the minus strand). VCF-style: chr3-57098017-C-A. GRCh37 (hg19) VCF-style: chr3-57132045-C-A.
Other names: c.1254G>T, p.Lys418Asn (NM_001318864.2); short protein forms K418N, K562N.
Identifiers: ClinVar variation 3602905 (VCV003602905.1).